The following is an entry in ClinVar:

NM_182961.4(SYNE1):c.7052G>A (p.Ser2351Asn)

Gene: SYNE1 (spectrin repeat containing nuclear envelope protein 1; minus strand). Cytogenetic location: 6q25.2.
Variant type: single nucleotide variant.
Coding change: c.7052G>A on transcript NM_182961.4 (MANE Select); coding-DNA position 7052, G replaced by A.
Protein change: p.Ser2351Asn; replaces serine 2351 with asparagine.
Molecular consequence: missense variant.
Genome position (GRCh38, 1-based): chr6:152,399,801, C>T on the plus strand (G>A on the coding strand, the complement: SYNE1 is on the minus strand). VCF-style: chr6-152399801-C-T. GRCh37 (hg19) VCF-style: chr6-152720936-C-T.
Other names: c.7073G>A (NM_033071.3); c.7073G>A, p.Ser2358Asn (NM_033071.5); short protein forms S2351N, S2358N.
Identifiers: ClinVar variation 448609 (VCV000448609.4), dbSNP rs151039167, ClinGen allele CA4057925.
Genomic context (GRCh38, chr6:152,399,801, plus strand): 5'-TGGTACTTGCGGCACAAGCTATTGAGATTTTCTTGGGTAGAGCTGATGTTGCTTTGTTGA[C>T]TTTGAAGTTCTTTTTGTATATCCTACAGAATAAAAGTATATTATGAAGGATATTCATAAC-3'
Protein context (NP_892006.3, residues 2341-2361): KVKDIQKELQ[Ser2351Asn]QQSNISSTQE

ClinVar aggregate classification (germline): Uncertain significance. Review status: criteria provided, multiple submitters, no conflicts (2 of 4 stars). 3 submissions from 3 submitters: Uncertain significance (3). Last evaluated 2023-04-12.

Conditions:
Emery-Dreifuss muscular dystrophy 4, autosomal dominant (EDMD4). Also called: EMERY-DREIFUSS MUSCULAR DYSTROPHY 4 WITH VARIABLE FEATURES. Identifiers: Orphanet 261, MedGen C2751807, MONDO:0013071, OMIM 612998.
Autosomal recessive ataxia, Beauce type. Also called: Spinocerebellar ataxia, autosomal recessive 8; ATAXIA, RECESSIVE, OF BEAUCE; SYNE1-Related Autosomal Recessive Cerebellar Ataxia; SYNE1 Deficiency. Identifiers: Orphanet 88644, MedGen C1853116, MONDO:0012549, OMIM 610743.

Allele frequency attached by ClinVar (database versions not stated): gnomAD exomes 0.00002 and 0.00004; gnomAD 0.00007 and 0.00008; ESP Exome Variant Server 0.00008; TOPMed 0.00009; ExAC 0.00002; 1000 Genomes Project 30x 0.00016; 1000 Genomes Project 0.00020.
gnomAD v4.1: 20 of 1,614,076 alleles (0.0012%); highest among the groups gnomAD compares: African/African-American, 0.019%; no homozygotes.

Submissions (3):

Greenwood Genetic Center Diagnostic Laboratories, Greenwood Genetic Center
Classification: Uncertain significance. Last evaluated: 2023-04-12. Review status: criteria provided, single submitter. Criteria: ACMG Guidelines, 2015. Collection method: clinical testing. Allele origin: germline. Affected: yes.
Comment: PM2

Labcorp Genetics (formerly Invitae), Labcorp
Classification: Uncertain significance for Emery-Dreifuss muscular dystrophy 4, autosomal dominant; Autosomal recessive ataxia, Beauce type. Last evaluated: 2022-08-21. Review status: criteria provided, single submitter. Criteria: Invitae Variant Classification Sherloc (09022015). Collection method: clinical testing. Allele origin: germline.
Comment: In summary, the available evidence is currently insufficient to determine the role of this variant in disease. Therefore, it has been classified as a Variant of Uncertain Significance. Algorithms developed to predict the effect of missense changes on protein structure and function (SIFT, PolyPhen-2, Align-GVGD) all suggest that this variant is likely to be tolerated. ClinVar contains an entry for this variant (Variation ID: 448609). This variant has not been reported in the literature in individuals affected with SYNE1-related conditions. This variant is present in population databases (rs151039167, gnomAD 0.03%). This sequence change replaces serine, which is neutral and polar, with asparagine, which is neutral and polar, at codon 2358 of the SYNE1 protein (p.Ser2358Asn).

Athena Diagnostics
Classification: Uncertain significance. Last evaluated: 2016-12-20. Review status: criteria provided, single submitter. Criteria: Athena Diagnostics Criteria. Collection method: clinical testing. Allele origin: germline.